The following is an entry in ClinVar:

NM_018008.4(FEZF2):c.622C>G (p.Pro208Ala)

Gene: FEZF2 (FEZ family zinc finger 2; minus strand). Cytogenetic location: 3p14.2.
Variant type: single nucleotide variant.
Coding change: c.622C>G on transcript NM_018008.4 (MANE Select); coding-DNA position 622, C replaced by G.
Protein change: p.Pro208Ala; replaces proline 208 with alanine.
Molecular consequence: missense variant.
Genome position (GRCh38, 1-based): chr3:62,372,247, G>C on the plus strand (C>G on the coding strand, the complement: FEZF2 is on the minus strand). VCF-style: chr3-62372247-G-C. GRCh37 (hg19) VCF-style: chr3-62357922-G-C.
Other names: short protein forms P208A.
Identifiers: ClinVar variation 3908015 (VCV003908015.1).

ClinVar aggregate classification (germline): Uncertain significance (1 of 4 stars; one submission).

Submission:

GeneDx
Classification: Uncertain significance. Last evaluated: 2024-12-30. Review status: criteria provided, single submitter. Criteria: GeneDx Variant Classification Process June 2021. Collection method: clinical testing. Allele origin: germline. Affected: yes.
Comment: Not observed at significant frequency in large population cohorts (gnomAD); In silico analysis indicates that this missense variant does not alter protein structure/function; Has not been previously published as pathogenic or benign to our knowledge